The following is an entry in ClinVar:

NM_020461.4(TUBGCP6):c.1100C>T (p.Thr367Met)

Gene: TUBGCP6 (tubulin gamma complex component 6; minus strand). Cytogenetic location: 22q13.33.
Variant type: single nucleotide variant.
Coding change: c.1100C>T on transcript NM_020461.4 (MANE Select); coding-DNA position 1100, C replaced by T.
Protein change: p.Thr367Met; replaces threonine 367 with methionine.
Molecular consequence: missense variant.
Genome position (GRCh38, 1-based): chr22:50,233,332, G>A on the plus strand (C>T on the coding strand, the complement: TUBGCP6 is on the minus strand). VCF-style: chr22-50233332-G-A. GRCh37 (hg19) VCF-style: chr22-50671761-G-A.
Other names: short protein forms T367M.
Identifiers: ClinVar variation 373312 (VCV000373312.9), dbSNP rs750083119, ClinGen allele CA10308834.
Genomic context (GRCh38, chr22:50,233,332, plus strand): 5'-AGGCCAGCCCCACACCACTGTGGCGGGGAGTGAGCAGTTCTCACCTGGCAGAGCGAAAAC[G>A]TGGCAGACACGACCCCAATCAAGACGTTCAGCACGTCTTTCACCAGCTCGCACTCCTTCA-3'
Protein context (NP_065194.3, residues 357-377): LNVLIGVVSA[Thr367Met]FSLCQPAQAF

ClinVar aggregate classification (germline): Uncertain significance. Review status: criteria provided, multiple submitters, no conflicts (2 of 4 stars). 3 submissions from 3 submitters: Uncertain significance (3). Last evaluated 2025-12-14.

Conditions:
Inborn genetic diseases. Identifiers: MedGen C0950123, MeSH D030342.

Allele frequency attached by ClinVar (database versions not stated): gnomAD exomes below 0.00001 and 0.00001; ExAC 0.00001; TOPMed 0.00001; gnomAD 0.00003.
gnomAD v4.1: 21 of 1,613,418 alleles (0.0013%); highest among the groups gnomAD compares: Middle Eastern, 0.049%; no homozygotes.

Submissions (3):

Labcorp Genetics (formerly Invitae), Labcorp
Classification: Uncertain significance. Last evaluated: 2025-12-14. Review status: criteria provided, single submitter. Criteria: Invitae Variant Classification Sherloc (09022015). Collection method: clinical testing. Allele origin: germline.
Comment: This sequence change replaces threonine, which is neutral and polar, with methionine, which is neutral and non-polar, at codon 367 of the TUBGCP6 protein (p.Thr367Met). The frequency data for this variant in the population databases is considered unreliable, as metrics indicate poor data quality at this position in the gnomAD database. This variant has not been reported in the literature in individuals affected with TUBGCP6-related conditions. ClinVar contains an entry for this variant (Variation ID: 373312). An algorithm developed to predict the effect of missense changes on protein structure and function (PolyPhen-2) suggests that this variant is likely to be disruptive. In summary, the available evidence is currently insufficient to determine the role of this variant in disease. Therefore, it has been classified as a Variant of Uncertain Significance.

Ambry Genetics
Classification: Uncertain significance for Inborn genetic diseases. Last evaluated: 2023-06-30. Review status: criteria provided, single submitter. Criteria: Ambry Variant Classification Scheme 2023. Collection method: clinical testing. Allele origin: germline.

GeneDx
Classification: Uncertain significance. Last evaluated: 2016-11-11. Review status: criteria provided, single submitter. Criteria: GeneDx Variant Classification (06012015). Collection method: clinical testing. Allele origin: germline. Affected: yes.
Comment: The T367M variant in the TUBGCP6 gene has not been reported previously as a pathogenic variant, nor as a benign variant, to our knowledge. The T367M variant was not observed in approximately 6,500 individuals of European and African American ancestry in the NHLBI Exome Sequencing Project, indicating it is not a common benign variant in these populations. The T367M variant is a non-conservative amino acid substitution, which is likely to impact secondary protein structure as these residues differ in polarity, charge, size and/or other properties. This substitution occurs at a position where amino acids with similar properties to Threonine are tolerated across species. In silico analysis predicts this variant is probably damaging to the protein structure/function. We interpret T367M as a variant of uncertain significance.